The following is an entry in ClinVar:

NM_174878.3(CLRN1):c.284T>G (p.Val95Gly)

Gene: CLRN1 (clarin 1; minus strand). Cytogenetic location: 3q25.1.
Variant type: single nucleotide variant.
Coding change: c.284T>G on transcript NM_174878.3 (MANE Select); coding-DNA position 284, T replaced by G.
Protein change: p.Val95Gly; replaces valine 95 with glycine.
Molecular consequence: missense variant. On other transcripts: non-coding transcript variant (1).
Genome position (GRCh38, 1-based): chr3:150,941,731, A>C on the plus strand (T>G on the coding strand, the complement: CLRN1 is on the minus strand). VCF-style: chr3-150941731-A-C. GRCh37 (hg19) VCF-style: chr3-150659518-A-C.
Other names: c.284T>G, p.Val95Gly (NM_001195794.1); c.456T>G, p.Ser152Arg (NM_001256819.2); c.56T>G, p.Val19Gly (NM_052995.2); short protein forms S152R, V95G, V19G.
Identifiers: ClinVar variation 2093358 (VCV002093358.1), dbSNP rs775302520, ClinGen allele CA2666097.

ClinVar aggregate classification (germline): Uncertain significance (1 of 4 stars; one submission).

Allele frequency attached by ClinVar (database versions not stated): gnomAD exomes below 0.00001; ExAC 0.00001.
gnomAD v4.1: 2 of 1,614,104 alleles (0.00012%); highest among the groups gnomAD compares: Admixed American, 0.0017%; no homozygotes.

Submission:

Labcorp Genetics (formerly Invitae), Labcorp
Classification: Uncertain significance. Last evaluated: 2022-03-20. Review status: criteria provided, single submitter. Criteria: Invitae Variant Classification Sherloc (09022015). Collection method: clinical testing. Allele origin: germline.
Comment: This sequence change replaces valine, which is neutral and non-polar, with glycine, which is neutral and non-polar, at codon 95 of the CLRN1 protein (p.Val95Gly). This variant is present in population databases (rs775302520, gnomAD 0.003%). This variant has not been reported in the literature in individuals affected with CLRN1-related conditions. Algorithms developed to predict the effect of missense changes on protein structure and function (SIFT, PolyPhen-2, Align-GVGD) all suggest that this variant is likely to be tolerated. In summary, the available evidence is currently insufficient to determine the role of this variant in disease. Therefore, it has been classified as a Variant of Uncertain Significance.